The following is an entry in ClinVar:

NM_000268.4(NF2):c.831T>G (p.Asp277Glu)

Gene: NF2 (NF2, moesin-ezrin-radixin like (MERLIN) tumor suppressor; plus strand). Cytogenetic location: 22q12.2.
Variant type: single nucleotide variant.
Coding change: c.831T>G on transcript NM_000268.4 (MANE Select); coding-DNA position 831, T replaced by G.
Protein change: p.Asp277Glu; replaces aspartic acid 277 with glutamic acid.
Molecular consequence: missense variant. On other transcripts: non-coding transcript variant (1), intron variant (1).
Genome position (GRCh38, 1-based): chr22:29,665,010, T>G. VCF-style: chr22-29665010-T-G. GRCh37 (hg19) VCF-style: chr22-30060999-T-G.
Other names: c.831T>G, p.Asp277Glu (NM_016418.5, NM_181825.3, NM_181832.3); c.705T>G, p.Asp235Glu (NM_181828.3); c.708T>G, p.Asp236Glu (NM_181829.3); c.582T>G, p.Asp194Glu (NM_181830.3, NM_181831.3); c.447+22725T>G (NM_181833.3); short protein forms D194E, D277E, D235E, D236E.
Identifiers: ClinVar variation 822295 (VCV000822295.16), dbSNP rs762883753, ClinGen allele CA035426.

ClinVar aggregate classification (germline): Uncertain significance. Review status: criteria provided, multiple submitters, no conflicts (2 of 4 stars). 4 submissions from 4 submitters: Uncertain significance (4). Last evaluated 2025-06-02.

Conditions:
Neurofibromatosis, type 2 (SWNV). Also called: BILATERAL ACOUSTIC NEUROFIBROMATOSIS; SCHWANNOMATOSIS, VESTIBULAR; NF2-Related Schwannomatosis. Identifiers: Orphanet 637, MedGen C0027832, MONDO:0007039, OMIM 101000. Disease mechanism: loss of function.
Hereditary cancer-predisposing syndrome. Also called: Tumor predisposition; Hereditary Cancer Syndrome; Hereditary neoplastic syndrome; Neoplastic Syndromes, Hereditary. Identifiers: Orphanet 140162, MedGen C0027672, MeSH D009386, MONDO:0015356.

Allele frequency attached by ClinVar (database versions not stated): gnomAD exomes below 0.00001; ExAC 0.00001.
gnomAD v4.1: 3 of 1,613,414 alleles (0.00019%); highest among the groups gnomAD compares: Non-Finnish European, 0.00025%; no homozygotes.

Submissions (4):

Color Diagnostics, LLC DBA Color Health
Classification: Uncertain significance for Neurofibromatosis, type 2. Last evaluated: 2025-06-02. Review status: criteria provided, single submitter. Criteria: ACMG Guidelines, 2015. Collection method: clinical testing. Allele origin: germline.
Comment: This missense variant replaces aspartic acid with glutamic acid at codon 277 of the NF2 protein. Computational prediction suggests that this variant may not impact protein structure and function. To our knowledge, functional studies have not been reported for this variant. This variant has not been reported in individuals affected with NF2-related disorders in the literature. This variant has been identified in 1/251066 chromosomes in the general population by the Genome Aggregation Database (gnomAD). The available evidence is insufficient to determine the role of this variant in disease conclusively. Therefore, this variant is classified as a Variant of Uncertain Significance.

Ambry Genetics
Classification: Uncertain significance for Hereditary cancer-predisposing syndrome. Last evaluated: 2024-09-16. Review status: criteria provided, single submitter. Criteria: Ambry Variant Classification Scheme 2023. Collection method: clinical testing. Allele origin: germline.
Comment: The p.D277E variant (also known as c.831T>G), located in coding exon 9 of the NF2 gene, results from a T to G substitution at nucleotide position 831. The aspartic acid at codon 277 is replaced by glutamic acid, an amino acid with highly similar properties. This amino acid position is highly conserved in available vertebrate species. In addition, this alteration is predicted to be tolerated by in silico analysis. Based on the available evidence, the clinical significance of this variant remains unclear.

Labcorp Genetics (formerly Invitae), Labcorp
Classification: Uncertain significance for Neurofibromatosis, type 2. Last evaluated: 2022-10-05. Review status: criteria provided, single submitter. Criteria: Invitae Variant Classification Sherloc (09022015). Collection method: clinical testing. Allele origin: germline.
Comment: This sequence change replaces aspartic acid, which is acidic and polar, with glutamic acid, which is acidic and polar, at codon 277 of the NF2 protein (p.Asp277Glu). This variant is present in population databases (rs762883753, gnomAD 0.0009%). This variant has not been reported in the literature in individuals affected with NF2-related conditions. ClinVar contains an entry for this variant (Variation ID: 822295). Advanced modeling of protein sequence and biophysical properties (such as structural, functional, and spatial information, amino acid conservation, physicochemical variation, residue mobility, and thermodynamic stability) performed at Invitae indicates that this missense variant is not expected to disrupt NF2 protein function. In summary, the available evidence is currently insufficient to determine the role of this variant in disease. Therefore, it has been classified as a Variant of Uncertain Significance.

Genome-Nilou Lab
Classification: Uncertain significance for Neurofibromatosis, type 2. Last evaluated: 2021-11-07. Review status: criteria provided, single submitter. Criteria: ACMG Guidelines, 2015. Collection method: clinical testing. Allele origin: germline. Affected: no.